The following is an entry in ClinVar:

ClinVar aggregate classification (germline): Likely benign. Review status: criteria provided, multiple submitters, no conflicts (2 of 4 stars). 3 submissions from 3 submitters: Likely benign (3). Last evaluated 2025-11-07.

Conditions:
CDH23-related disorder. Also called: CDH23-related condition; CDH23-related disorders.

gnomAD v4.1: 19 of 1,613,600 alleles (0.0012%); highest among the groups gnomAD compares: African/African-American, 0.0067%; no homozygotes.

Submissions (3):

PreventionGenetics, part of Exact Sciences
Classification: Likely benign for CDH23-related condition. Last evaluated: 2025-11-07. Review status: criteria provided, single submitter. Criteria: ACMG Guidelines, 2015. Collection method: clinical testing. Allele origin: germline.
Comment: This variant is classified as likely benign based on ACMG/AMP sequence variant interpretation guidelines (Richards et al. 2015 PMID: 25741868, with internal and published modifications).

Labcorp Genetics (formerly Invitae), Labcorp
Classification: Likely benign. Last evaluated: 2025-10-19. Review status: criteria provided, single submitter. Criteria: Invitae Variant Classification Sherloc (09022015). Collection method: clinical testing. Allele origin: germline.

Blueprint Genetics
Classification: Likely benign. Last evaluated: 2024-09-13. Review status: criteria provided, single submitter. Criteria: ACMG Guidelines, 2015. Collection method: clinical testing. Allele origin: germline.

NM_022124.6(CDH23):c.1962C>T (p.Thr654=)

Gene: CDH23 (cadherin related 23; plus strand). Cytogenetic location: 10q22.1.
Variant type: single nucleotide variant.
Coding change: c.1962C>T on transcript NM_022124.6 (MANE Select); coding-DNA position 1962, C replaced by T.
Protein change: p.Thr654=; no amino-acid change (threonine 654 retained).
Molecular consequence: synonymous variant.
Genome position (GRCh38, 1-based): chr10:71,682,548, C>T. VCF-style: chr10-71682548-C-T. GRCh37 (hg19) VCF-style: chr10-73442305-C-T.
Other names: c.1962C>T (NM_022124.5); c.1962C>T, p.Thr654= (NM_001171930.2, NM_001171931.2).
Identifiers: ClinVar variation 1156319 (VCV001156319.11), dbSNP rs371365429, ClinGen allele CA5544022.